The following is an entry in ClinVar:

NM_000059.4(BRCA2):c.631+43G>T

Gene: BRCA2 (BRCA2 DNA repair associated; plus strand). Cytogenetic location: 13q13.1.
Variant type: single nucleotide variant.
Coding change: c.631+43G>T on transcript NM_000059.4 (MANE Select); 43 bases into the intron after coding-DNA position 631, G replaced by T.
Molecular consequence: intron variant.
Genome position (GRCh38, 1-based): chr13:32,326,656, G>T. VCF-style: chr13-32326656-G-T. GRCh37 (hg19) VCF-style: chr13-32900793-G-T.
Other names: IVS7+43G>T.
Identifiers: ClinVar variation 52055 (VCV000052055.19), dbSNP rs276174869, ClinGen allele CA023859.

ClinVar aggregate classification (germline): Benign/Likely benign. Review status: criteria provided, multiple submitters, no conflicts (2 of 4 stars). 9 submissions from 9 submitters: Benign (2); Likely benign (3). 4 of the submissions do not count toward it. Last evaluated 2025-07-30.

Conditions:
Hereditary breast ovarian cancer syndrome. Also called: Hereditary breast and/or ovarian cancer syndrome; Hereditary breast and ovarian cancer; Hereditary breast and ovarian cancer syndrome (HBOC); BRCA1- and BRCA2-Associated Hereditary Breast and Ovarian Cancer; Breast and ovarian cancer; Hereditary breast and ovarian cancer syndrome. Identifiers: Orphanet 145, MedGen C0677776, MeSH D061325, MONDO:0003582. Disease mechanism: loss of function.
Breast-ovarian cancer, familial, susceptibility to, 2 (BROVCA2). Also called: BRCA2 Hereditary Breast and Ovarian Cancer. Identifiers: Orphanet 145, MedGen C2675520, MONDO:0012933, OMIM 612555. Disease mechanism: loss of function.

Allele frequency attached by ClinVar (database versions not stated): ESP Exome Variant Server 0.00038; TOPMed 0.00049; gnomAD 0.00137.
gnomAD v4.1: 890 of 1,388,252 alleles (0.064%); highest among the groups gnomAD compares: Non-Finnish European, 0.083%; 1 homozygote.

Submissions (9):

Labcorp Genetics (formerly Invitae), Labcorp
Classification: Benign for Hereditary breast ovarian cancer syndrome. Last evaluated: 2025-07-30. Review status: criteria provided, single submitter. Criteria: Invitae Variant Classification Sherloc (09022015). Collection method: clinical testing. Allele origin: germline.

Center for Genomic Medicine, Rigshospitalet, Copenhagen University Hospital
Classification: Likely benign. Last evaluated: 2025-03-04. Review status: criteria provided, single submitter. Criteria: ACMG Guidelines, 2015. Collection method: clinical testing. Allele origin: germline.

Dasa
Classification: Likely benign for Breast-ovarian cancer, familial, susceptibility to, 2. Last evaluated: 2025-02-07. Review status: criteria provided, single submitter. Criteria: DASA Assertion Criteria. Collection method: clinical testing. Allele origin: germline.
Comment: NM_000059.4(BRCA2):c.631+43G>T is a splice-region variant predicted to affect normal RNA splicing. Based on the available data, this variant is classified as likely benign.

Molecular Genetics Laboratory, University of Michigan
Classification: Benign for Breast-ovarian cancer, familial, susceptibility to, 2. Last evaluated: 2016-04-21. Review status: criteria provided, single submitter. Criteria: ACMG Guidelines, 2015. Collection method: clinical testing. Allele origin: germline. Affected: yes.

Genome Diagnostics Laboratory, University Medical Center Utrecht
Classification: Likely benign for Breast-ovarian cancer, familial, susceptibility to, 2. Last evaluated: 2014-10-09. Review status: criteria provided, single submitter. Criteria: ACGS Guidelines, 2013. Collection method: clinical testing. Allele origin: germline. Affected: yes. Study: VKGL Data-share Consensus.

BRCAlab, Lund University
Classification: Likely benign for Breast-ovarian cancer, familial, susceptibility to, 2. Last evaluated: 2020-03-02. Review status: no assertion criteria provided. Collection method: clinical testing. Allele origin: germline. Affected: yes. Not counted in ClinVar's aggregate classification.

Breast Cancer Information Core (BIC) (BRCA2)
Classification: Uncertain significance for Breast-ovarian cancer, familial 2. Last evaluated: 2010-12-17. Review status: no assertion criteria provided. Collection method: clinical testing. Allele origin: germline. Affected: yes. Observed: 2 variant alleles. Not counted in ClinVar's aggregate classification.

Clinical Genetics Laboratory, Department of Pathology, Netherlands Cancer Institute
Classification: Likely benign. Review status: no assertion criteria provided. Collection method: clinical testing. Allele origin: germline. Affected: yes. Study: VKGL Data-share Consensus. Not counted in ClinVar's aggregate classification.

Joint Genome Diagnostic Labs from Nijmegen and Maastricht, Radboudumc and MUMC+
Classification: Likely benign. Review status: no assertion criteria provided. Collection method: clinical testing. Allele origin: germline. Affected: yes. Study: VKGL Data-share Consensus. Not counted in ClinVar's aggregate classification.